The following is an entry in ClinVar:

NM_015512.5(DNAH1):c.3834G>A (p.Met1278Ile)

Gene: DNAH1 (dynein axonemal heavy chain 1; plus strand). Cytogenetic location: 3p21.1.
Variant type: single nucleotide variant.
Coding change: c.3834G>A on transcript NM_015512.5 (MANE Select); coding-DNA position 3834, G replaced by A.
Protein change: p.Met1278Ile; replaces methionine 1278 with isoleucine.
Molecular consequence: missense variant.
Genome position (GRCh38, 1-based): chr3:52,356,754, G>A. VCF-style: chr3-52356754-G-A. GRCh37 (hg19) VCF-style: chr3-52390770-G-A.
Other names: c.3834G>A (NM_015512.4); short protein forms M1278I.
Identifiers: ClinVar variation 1408629 (VCV001408629.4), dbSNP rs1032198128, ClinGen allele CA74746760.

ClinVar aggregate classification (germline): Uncertain significance. Review status: criteria provided, multiple submitters, no conflicts (2 of 4 stars). 2 submissions from 2 submitters: Uncertain significance (2). Last evaluated 2022-11-30.

Conditions:
Spermatogenic failure 18. Identifiers: MedGen C4539783, MONDO:0054615, OMIM 617576.
Ciliary dyskinesia, primary, 37 (CILD37). Also called: CILIARY DYSKINESIA, PRIMARY, 37, WITH OR WITHOUT SITUS INVERSUS. Identifiers: MedGen C4539798, MONDO:0033204, OMIM 617577.

Allele frequency attached by ClinVar (database versions not stated): gnomAD exomes 0.00001; TOPMed 0.00003; gnomAD 0.00004.

Submissions (2):

Ambry Genetics
Classification: Uncertain significance. Last evaluated: 2022-11-30. Review status: criteria provided, single submitter. Criteria: Ambry Variant Classification Scheme 2023. Collection method: clinical testing. Allele origin: germline.

Labcorp Genetics (formerly Invitae), Labcorp
Classification: Uncertain significance for Ciliary dyskinesia, primary, 37; Spermatogenic failure 18. Last evaluated: 2021-10-17. Review status: criteria provided, single submitter. Criteria: Invitae Variant Classification Sherloc (09022015). Collection method: clinical testing. Allele origin: germline.
Comment: This sequence change replaces methionine with isoleucine at codon 1278 of the DNAH1 protein (p.Met1278Ile). The methionine residue is highly conserved and there is a small physicochemical difference between methionine and isoleucine. This variant is not present in population databases (ExAC no frequency). This variant has not been reported in the literature in individuals affected with DNAH1-related conditions. Algorithms developed to predict the effect of missense changes on protein structure and function are either unavailable or do not agree on the potential impact of this missense change (SIFT: "Deleterious"; PolyPhen-2: "Benign"; Align-GVGD: "Class C0"). In summary, the available evidence is currently insufficient to determine the role of this variant in disease. Therefore, it has been classified as a Variant of Uncertain Significance.